The following is an entry in ClinVar:

NM_001013703.4(EIF2AK4):c.1447C>T (p.Arg483Cys)

Gene: EIF2AK4 (eukaryotic translation initiation factor 2 alpha kinase 4; plus strand). Cytogenetic location: 15q15.1.
Variant type: single nucleotide variant.
Coding change: c.1447C>T on transcript NM_001013703.4 (MANE Select); coding-DNA position 1447, C replaced by T.
Protein change: p.Arg483Cys; replaces arginine 483 with cysteine.
Molecular consequence: missense variant.
Genome position (GRCh38, 1-based): chr15:39,967,773, C>T. VCF-style: chr15-39967773-C-T. GRCh37 (hg19) VCF-style: chr15-40259974-C-T.
Other names: short protein forms R483C.
Identifiers: ClinVar variation 1302684 (VCV001302684.2), dbSNP rs1378938398, ClinGen allele CA7473777.

ClinVar aggregate classification (germline): Uncertain significance (1 of 4 stars; one submission).

Allele frequency attached by ClinVar (database versions not stated): gnomAD exomes 0.00002 and 0.00012; gnomAD 0.00004; TOPMed 0.00008; ExAC 0.00011.
gnomAD v4.1: 42 of 1,614,164 alleles (0.0026%); highest among the groups gnomAD compares: East Asian, 0.058%; no homozygotes.

Submission:

GeneDx
Classification: Uncertain significance. Last evaluated: 2019-04-08. Review status: criteria provided, single submitter. Criteria: GeneDx Variant Classification Process June 2021. Collection method: clinical testing. Allele origin: germline. Affected: yes.
Comment: Has not been previously published as pathogenic or benign to our knowledge; In silico analysis, which includes protein predictors and evolutionary conservation, supports a deleterious effect